The following is an entry in ClinVar:

ClinVar aggregate classification (germline): Uncertain significance. Review status: criteria provided, multiple submitters, no conflicts (2 of 4 stars). 4 submissions from 4 submitters: Uncertain significance (3). 1 of the submissions does not count toward it. Last evaluated 2025-10-26.

Conditions:
Familial cancer of breast. Also called: BREAST CANCER, FAMILIAL; Hereditary breast cancer; hereditary breast carcinoma. Identifiers: Orphanet 227535, MedGen C0346153, MONDO:0016419, OMIM 114480. Disease mechanism: loss of function.
Hereditary cancer-predisposing syndrome. Also called: Hereditary neoplastic syndrome; Neoplastic Syndromes, Hereditary; Tumor predisposition; Hereditary Cancer Syndrome. Identifiers: Orphanet 140162, MedGen C0027672, MeSH D009386, MONDO:0015356.
Ataxia-telangiectasia syndrome (AT). Also called: LOUIS-BAR SYNDROME; Cerebello-oculocutaneous telangiectasia; Immunodeficiency with ataxia telangiectasia; AT, COMPLEMENTATION GROUP C; Ataxia-telangiectasia, complementation group D; ATAXIA-TELANGIECTASIA, COMPLEMENTATION GROUP A. Identifiers: Orphanet 100, MedGen C0004135, MONDO:0008840, OMIM 208900.

Submissions (4):

Labcorp Genetics (formerly Invitae), Labcorp
Classification: Uncertain significance for Ataxia-telangiectasia syndrome. Last evaluated: 2025-10-26. Review status: criteria provided, single submitter. Criteria: Invitae Variant Classification Sherloc (09022015). Collection method: clinical testing. Allele origin: germline.
Comment: This sequence change replaces cysteine, which is neutral and slightly polar, with serine, which is neutral and polar, at codon 1423 of the ATM protein (p.Cys1423Ser). This variant is not present in population databases (gnomAD no frequency). This variant has not been reported in the literature in individuals affected with ATM-related conditions. ClinVar contains an entry for this variant (Variation ID: 482703). Invitae Evidence Modeling of protein sequence and biophysical properties (such as structural, functional, and spatial information, amino acid conservation, physicochemical variation, residue mobility, and thermodynamic stability) indicates that this missense variant is not expected to disrupt ATM protein function with a negative predictive value of 95%. In summary, the available evidence is currently insufficient to determine the role of this variant in disease. Therefore, it has been classified as a Variant of Uncertain Significance.

Ambry Genetics
Classification: Uncertain significance for Hereditary cancer-predisposing syndrome. Last evaluated: 2024-04-26. Review status: criteria provided, single submitter. Criteria: Ambry Variant Classification Scheme 2023. Collection method: clinical testing. Allele origin: germline.
Comment: The p.C1423S variant (also known as c.4267T>A), located in coding exon 28 of the ATM gene, results from a T to A substitution at nucleotide position 4267. The cysteine at codon 1423 is replaced by serine, an amino acid with dissimilar properties. This amino acid position is highly conserved in available vertebrate species. In addition, this alteration is predicted to be deleterious by in silico analysis. Based on the available evidence, the clinical significance of this variant remains unclear.

Baylor Genetics
Classification: Uncertain significance for Familial cancer of breast. Last evaluated: 2023-07-20. Review status: criteria provided, single submitter. Criteria: ACMG Guidelines, 2015. Collection method: clinical testing. Allele origin: unknown.

Natera, Inc.
Classification: Uncertain significance for Ataxia-telangiectasia. Last evaluated: 2021-04-10. Review status: no assertion criteria provided. Collection method: clinical testing. Allele origin: germline. Not counted in ClinVar's aggregate classification.

NM_000051.4(ATM):c.4267T>A (p.Cys1423Ser)

Gene: ATM (ATM serine/threonine kinase; plus strand). Cytogenetic location: 11q22.3.
Variant type: single nucleotide variant.
Coding change: c.4267T>A on transcript NM_000051.4 (MANE Select); coding-DNA position 4267, T replaced by A.
Protein change: p.Cys1423Ser; replaces cysteine 1423 with serine.
Molecular consequence: missense variant.
Genome position (GRCh38, 1-based): chr11:108,289,632, T>A. VCF-style: chr11-108289632-T-A. GRCh37 (hg19) VCF-style: chr11-108160359-T-A.
Other names: c.4267T>A, p.Cys1423Ser (NM_001351834.2); short protein forms C1423S.
Identifiers: ClinVar variation 482703 (VCV000482703.22), dbSNP rs587782442, ClinGen allele CA382531208.